The following is an entry in ClinVar:

NM_053274.3(GLMN):c.1007T>C (p.Leu336Ser)

Gene: GLMN (glomulin, FKBP associated protein; minus strand). Cytogenetic location: 1p22.1.
Variant type: single nucleotide variant.
Coding change: c.1007T>C on transcript NM_053274.3 (MANE Select); coding-DNA position 1007, T replaced by C.
Protein change: p.Leu336Ser; replaces leucine 336 with serine.
Molecular consequence: missense variant. On other transcripts: non-coding transcript variant (1).
Genome position (GRCh38, 1-based): chr1:92,268,106, A>G on the plus strand (T>C on the coding strand, the complement: GLMN is on the minus strand). VCF-style: chr1-92268106-A-G. GRCh37 (hg19) VCF-style: chr1-92733663-A-G.
Other names: c.1007T>C, p.Leu336Ser (NM_001319683.2); short protein forms L336S.
Identifiers: ClinVar variation 298134 (VCV000298134.9), dbSNP rs35258161, ClinGen allele CA950416.

ClinVar aggregate classification (germline): Benign. Review status: criteria provided, multiple submitters, no conflicts (2 of 4 stars). 3 submissions from 3 submitters: Benign (3). Last evaluated 2018-04-30.

Conditions:
Glomuvenous malformation. Also called: GLOMANGIOMAS, MULTIPLE; GLOMUS TUMORS, MULTIPLE; VENOUS MALFORMATIONS WITH GLOMUS CELLS; Familial glomangioma. Identifiers: Orphanet 83454, MedGen C1841984, MONDO:0007672, OMIM 138000.

Allele frequency attached by ClinVar (database versions not stated): gnomAD exomes 0.00091 and 0.00282; ExAC 0.00361; gnomAD 0.01087 and 0.01163; TOPMed 0.01256; ESP Exome Variant Server 0.01313; 1000 Genomes Project 0.01398; 1000 Genomes Project 30x 0.01483.
gnomAD v4.1: 2,854 of 1,453,972 alleles (0.2%); highest among the groups gnomAD compares: African/African-American, 3.6%; 50 homozygotes.

Submissions (3):

Labcorp Genetics (formerly Invitae), Labcorp
Classification: Benign. Last evaluated: 2018-04-30. Review status: criteria provided, single submitter. Criteria: Invitae Variant Classification Sherloc (09022015). Collection method: clinical testing. Allele origin: germline.

Illumina Laboratory Services, Illumina
Classification: Benign for Glomuvenous malformation. Last evaluated: 2018-01-12. Review status: criteria provided, single submitter. Criteria: ICSL Variant Classification Criteria 13 December 2019. Collection method: clinical testing. Allele origin: germline.
Comment: This variant was observed in the ICSL laboratory as part of a predisposition screen in an ostensibly healthy population. It had not been previously curated by ICSL or reported in the Human Gene Mutation Database (HGMD: prior to June 1st, 2018), and was therefore a candidate for classification through an automated scoring system. Utilizing variant allele frequency, disease prevalence and penetrance estimates, and inheritance mode, an automated score was calculated to assess if this variant is too frequent to cause the disease. Based on the score and internal cut-off values, a variant classified as benign is not then subjected to further curation. The score for this variant resulted in a classification of benign for this disease.

Breakthrough Genomics
Classification: Benign. Review status: criteria provided, single submitter. Criteria: ACMG Guidelines, 2015. Collection method: not provided. Allele origin: germline. Inheritance: Autosomal dominant inheritance. Affected: yes.